The following is an entry in ClinVar:

ClinVar aggregate classification (germline): Uncertain significance (1 of 4 stars; one submission).

Conditions:
Hereditary cancer-predisposing syndrome. Also called: Hereditary Cancer Syndrome; Hereditary neoplastic syndrome; Tumor predisposition; Neoplastic Syndromes, Hereditary. Identifiers: Orphanet 140162, MedGen C0027672, MeSH D009386, MONDO:0015356.

Submission:

Ambry Genetics
Classification: Uncertain significance for Hereditary cancer-predisposing syndrome. Last evaluated: 2022-04-05. Review status: criteria provided, single submitter. Criteria: Ambry Variant Classification Scheme 2023. Collection method: clinical testing. Allele origin: germline.
Comment: The p.D790A variant (also known as c.2369A>C), located in coding exon 4 of the MSH6 gene, results from an A to C substitution at nucleotide position 2369. The aspartic acid at codon 790 is replaced by alanine, an amino acid with dissimilar properties. This amino acid position is highly conserved in available vertebrate species. In addition, this alteration is predicted to be deleterious by in silico analysis. Since supporting evidence is limited at this time, the clinical significance of this alteration remains unclear.

NM_000179.3(MSH6):c.2369A>C (p.Asp790Ala)

Gene: MSH6 (mutS homolog 6; plus strand). Cytogenetic location: 2p16.3.
Variant type: single nucleotide variant.
Coding change: c.2369A>C on transcript NM_000179.3 (MANE Select); coding-DNA position 2369, A replaced by C.
Protein change: p.Asp790Ala; replaces aspartic acid 790 with alanine.
Molecular consequence: missense variant.
Genome position (GRCh38, 1-based): chr2:47,800,352, A>C. VCF-style: chr2-47800352-A-C. GRCh37 (hg19) VCF-style: chr2-48027491-A-C.
Other names: c.1979A>C, p.Asp660Ala (NM_001281492.2); c.1463A>C, p.Asp488Ala (NM_001281493.2, NM_001281494.2, NM_001406811.1 and 6 more transcripts); c.2465A>C, p.Asp822Ala (NM_001406795.1, NM_001406802.1); c.2369A>C, p.Asp790Ala (NM_001406796.1, NM_001406798.1, NM_001406800.1 and 2 more transcripts); c.2072A>C, p.Asp691Ala (NM_001406797.1, NM_001406801.1, NM_001406805.1 and 10 more transcripts); c.1844A>C, p.Asp615Ala (NM_001406799.1, NM_001406806.1, NM_001406807.1); c.2291A>C, p.Asp764Ala (NM_001406804.1); c.2375A>C, p.Asp792Ala (NM_001406813.1); and 1 more; short protein forms D822A, D488A, D691A, D734A, D764A, D790A, D615A, D660A.
Identifiers: ClinVar variation 1790251 (VCV001790251.2), dbSNP rs1572726916, ClinGen allele CA346753669.